The following is an entry in ClinVar:

ClinVar aggregate classification (germline): Uncertain significance (1 of 4 stars; one submission).

Conditions:
Hypertrophic cardiomyopathy. Also called: HYPERTROPHIC MYOCARDIOPATHY. Identifiers: Orphanet 217569, MedGen C0007194, MeSH D002312, MONDO:0005045, HP:0001639.

Submission:

Labcorp Genetics (formerly Invitae), Labcorp
Classification: Uncertain significance for Hypertrophic cardiomyopathy. Last evaluated: 2022-05-18. Review status: criteria provided, single submitter. Criteria: Invitae Variant Classification Sherloc (09022015). Collection method: clinical testing. Allele origin: germline.
Comment: This sequence change replaces arginine, which is basic and polar, with leucine, which is neutral and non-polar, at codon 845 of the MYBPC3 protein (p.Arg845Leu). This variant is not present in population databases (gnomAD no frequency). This variant has not been reported in the literature in individuals affected with MYBPC3-related conditions. Algorithms developed to predict the effect of missense changes on protein structure and function (SIFT, PolyPhen-2, Align-GVGD) all suggest that this variant is likely to be disruptive. In summary, the available evidence is currently insufficient to determine the role of this variant in disease. Therefore, it has been classified as a Variant of Uncertain Significance.

NM_000256.3(MYBPC3):c.2534G>T (p.Arg845Leu)

Gene: MYBPC3 (myosin binding protein C3; minus strand). Cytogenetic location: 11p11.2.
Variant type: single nucleotide variant.
Coding change: c.2534G>T on transcript NM_000256.3 (MANE Select); coding-DNA position 2534, G replaced by T.
Protein change: p.Arg845Leu; replaces arginine 845 with leucine.
Molecular consequence: missense variant.
Genome position (GRCh38, 1-based): chr11:47,337,459, C>A on the plus strand (G>T on the coding strand, the complement: MYBPC3 is on the minus strand). VCF-style: chr11-47337459-C-A. GRCh37 (hg19) VCF-style: chr11-47359010-C-A.
Other names: short protein forms R845L.
Identifiers: ClinVar variation 2087787 (VCV002087787.4), dbSNP rs730880568, ClinGen allele CA380318170.